The following is an entry in ClinVar:

ClinVar aggregate classification (germline): Uncertain significance (1 of 4 stars; one submission).

Allele frequency attached by ClinVar (database versions not stated): gnomAD 0.00001.
gnomAD v4.1: 5 of 1,614,082 alleles (0.00031%); highest among the groups gnomAD compares: African/African-American, 0.0013%; no homozygotes.

Submission:

Labcorp Genetics (formerly Invitae), Labcorp
Classification: Uncertain significance. Last evaluated: 2025-12-30. Review status: criteria provided, single submitter. Criteria: Invitae Variant Classification Sherloc (09022015). Collection method: clinical testing. Allele origin: germline.
Comment: This sequence change replaces proline, which is neutral and non-polar, with threonine, which is neutral and polar, at codon 1268 of the HIVEP2 protein (p.Pro1268Thr). This variant is present in population databases (rs775832228, gnomAD 0.0009%). This variant has not been reported in the literature in individuals affected with HIVEP2-related conditions. ClinVar contains an entry for this variant (Variation ID: 2790742). Invitae Evidence Modeling of protein sequence and biophysical properties (such as structural, functional, and spatial information, amino acid conservation, physicochemical variation, residue mobility, and thermodynamic stability) indicates that this missense variant is not expected to disrupt HIVEP2 protein function with a negative predictive value of 80%. In summary, the available evidence is currently insufficient to determine the role of this variant in disease. Therefore, it has been classified as a Variant of Uncertain Significance.

NM_006734.4(HIVEP2):c.3802C>A (p.Pro1268Thr)

Gene: HIVEP2 (HIVEP zinc finger 2; minus strand). Cytogenetic location: 6q24.2.
Variant type: single nucleotide variant.
Coding change: c.3802C>A on transcript NM_006734.4 (MANE Select); coding-DNA position 3802, C replaced by A.
Protein change: p.Pro1268Thr; replaces proline 1268 with threonine.
Molecular consequence: missense variant.
Genome position (GRCh38, 1-based): chr6:142,770,937, G>T on the plus strand (C>A on the coding strand, the complement: HIVEP2 is on the minus strand). VCF-style: chr6-142770937-G-T. GRCh37 (hg19) VCF-style: chr6-143092074-G-T.
Other names: short protein forms P1268T.
Identifiers: ClinVar variation 2790742 (VCV002790742.3), dbSNP rs775832228, ClinGen allele CA4028182.